The following is an entry in ClinVar:

NM_001371623.1(TCOF1):c.1961C>T (p.Ala654Val)

Gene: TCOF1 (treacle ribosome biogenesis factor 1; plus strand). Cytogenetic location: 5q32.
Variant type: single nucleotide variant.
Coding change: c.1961C>T on transcript NM_001371623.1 (MANE Select); coding-DNA position 1961, C replaced by T.
Protein change: p.Ala654Val; replaces alanine 654 with valine.
Molecular consequence: missense variant.
Genome position (GRCh38, 1-based): chr5:150,376,149, C>T. VCF-style: chr5-150376149-C-T. GRCh37 (hg19) VCF-style: chr5-149755712-C-T.
Other names: p.Ala654Val; c.1730C>T, p.Ala577Val (NM_000356.4, NM_001135245.2); c.1961C>T, p.Ala654Val (NM_001008657.3, NM_001135243.2, NM_001135244.2 and 1 more transcripts); c.1961C>T (NM_001135243.1); short protein forms A577V, A654V.
Identifiers: ClinVar variation 235354 (VCV000235354.9), dbSNP rs201843484, ClinGen allele CA3511063.

ClinVar aggregate classification (germline): Conflicting classifications of pathogenicity. Review status: criteria provided, conflicting classifications (1 of 4 stars). 3 submissions from 3 submitters: Uncertain significance (1); Likely benign (2). Last evaluated 2025-06-10.

Conditions:
Treacher Collins syndrome 1 (TCS1). Also called: TCOF1-Related Treacher Collins Syndrome. Identifiers: Orphanet 861, MedGen CN315775, MONDO:0007944, OMIM 154500.

Allele frequency attached by ClinVar (database versions not stated): gnomAD 0.00005; TOPMed 0.00006; gnomAD exomes 0.00012 and 0.00020; ExAC 0.00030.

Submissions (3):

Mayo Clinic Laboratories, Mayo Clinic
Classification: Uncertain significance. Last evaluated: 2025-06-10. Review status: criteria provided, single submitter. Criteria: ACMG Guidelines, 2015. Collection method: clinical testing. Allele origin: germline. Observed: 1 variant allele.
Comment: PM2_supporting

Labcorp Genetics (formerly Invitae), Labcorp
Classification: Likely benign for Treacher Collins syndrome 1. Last evaluated: 2024-07-17. Review status: criteria provided, single submitter. Criteria: Invitae Variant Classification Sherloc (09022015). Collection method: clinical testing. Allele origin: germline.

Center for Pediatric Genomic Medicine, Children's Mercy Hospital and Clinics
Classification: Likely benign. Last evaluated: 2015-12-21. Review status: criteria provided, single submitter. Criteria: ACMG Guidelines, 2015. Collection method: clinical testing. Allele origin: germline.
ClinVar note: Converted during submission from Likely Benign to Likely benign.